The following is an entry in ClinVar:

ClinVar aggregate classification (germline): Pathogenic. Review status: reviewed by expert panel (3 of 4 stars). 10 submissions from 10 submitters: Pathogenic (1). 9 of the submissions do not count toward it. Last evaluated 2016-09-08.

Conditions:
Pancreatic cancer, susceptibility to, 2. Identifiers: Orphanet 1333, MedGen C3150546, MONDO:0013235, OMIM 613347.
Glioma susceptibility 3 (GLM3). Also called: Glioblastoma 3. Identifiers: Orphanet 182067, Orphanet 360, MedGen C2751641, MONDO:0013093, OMIM 613029.
Familial prostate cancer. Also called: Hereditary Prostate Cancer. Identifiers: MedGen C2931456, MONDO:0700275, OMIM 176807.
Breast-ovarian cancer, familial, susceptibility to, 2 (BROVCA2). Also called: BRCA2 Hereditary Breast and Ovarian Cancer. Identifiers: Orphanet 145, MedGen C2675520, MONDO:0012933, OMIM 612555. Disease mechanism: loss of function.
Fanconi anemia complementation group D1. Also called: BRCA2-Related Fanconi Anemia. Identifiers: Orphanet 319462, MedGen C1838457, MONDO:0011584, OMIM 605724.
Medulloblastoma (MDB). Also called: Medulloblastoma, somatic; MEDULLOBLASTOMA PREDISPOSITION SYNDROME. Identifiers: Orphanet 616, MedGen C0025149, MeSH D008527, MONDO:0007959, OMIM 155255, HP:0002885.
Wilms tumor 1 (WT1). Also called: Wilms tumor, somatic. Identifiers: Orphanet 654, MedGen CN033288, MONDO:0008679, OMIM 194070.
Familial cancer of breast. Also called: BREAST CANCER, FAMILIAL; hereditary breast carcinoma; Hereditary breast cancer. Identifiers: Orphanet 227535, MedGen C0346153, MONDO:0016419, OMIM 114480. Disease mechanism: loss of function.
Hereditary cancer-predisposing syndrome. Also called: Neoplastic Syndromes, Hereditary; Tumor predisposition; Hereditary Cancer Syndrome; Hereditary neoplastic syndrome. Identifiers: Orphanet 140162, MedGen C0027672, MeSH D009386, MONDO:0015356.
Hereditary breast ovarian cancer syndrome. Also called: Breast and ovarian cancer; Hereditary breast and ovarian cancer; Hereditary breast and ovarian cancer syndrome (HBOC); Hereditary breast and ovarian cancer syndrome; BRCA1- and BRCA2-Associated Hereditary Breast and Ovarian Cancer; Hereditary breast and/or ovarian cancer syndrome. Identifiers: Orphanet 145, MedGen C0677776, MeSH D061325, MONDO:0003582. Disease mechanism: loss of function.

Submissions (10):

Evidence-based Network for the Interpretation of Germline Mutant Alleles (ENIGMA)
Classification: Pathogenic for Breast-ovarian cancer, familial, susceptibility to, 2. Last evaluated: 2016-09-08. Review status: reviewed by expert panel. Criteria: ENIGMA BRCA1/2 Classification Criteria (2015). Collection method: curation. Allele origin: germline.
Comment: Variant allele predicted to encode a truncated non-functional protein.

Labcorp Genetics (formerly Invitae), Labcorp
Classification: Pathogenic for Hereditary breast ovarian cancer syndrome. Last evaluated: 2025-09-27. Review status: criteria provided, single submitter. Criteria: Invitae Variant Classification Sherloc (09022015). Collection method: clinical testing. Allele origin: germline. Not counted in ClinVar's aggregate classification.
Comment: This sequence change creates a premature translational stop signal (p.Gln3034*) in the BRCA2 gene. It is expected to result in an absent or disrupted protein product. Loss-of-function variants in BRCA2 are known to be pathogenic (PMID: 20104584). This variant is not present in population databases (gnomAD no frequency). This premature translational stop signal has been observed in individual(s) with a personal and/or family history of breast cancer (PMID: 28724667, 29446198, 29752822). ClinVar contains an entry for this variant (Variation ID: 52749). Algorithms developed to predict the effect of sequence changes on RNA splicing suggest that this variant may disrupt the consensus splice site. For these reasons, this variant has been classified as Pathogenic.

Ambry Genetics
Classification: Pathogenic for Hereditary cancer-predisposing syndrome. Last evaluated: 2025-03-17. Review status: criteria provided, single submitter. Criteria: Ambry Variant Classification Scheme 2023. Collection method: clinical testing. Allele origin: germline. Not counted in ClinVar's aggregate classification.
Comment: The p.Q3034* pathogenic mutation (also known as c.9100C>T), located in coding exon 22 of the BRCA2 gene, results from a C to T substitution at nucleotide position 9100. This changes the amino acid from a glutamine to a stop codon within coding exon 22. This alteration has been identified in individuals diagnosed with breast and pancreatic cancer (Jian W et al. Hered Cancer Clin Pract, 2017 Oct;15:19; Sun J et al. Clin Cancer Res, 2017 Oct;23:6113-6119; Hu C et al. JAMA, 2018 06;319:2401-2409; Wei H et al. Oncol Lett, 2018 Jun;15:9420-9428; Li JY et al. Int J Cancer, 2019 01;144:281-289). This alteration was also identified in a large, worldwide study of BRCA1/2 mutation positive families (Rebbeck TR et al. Hum Mutat, 2018 05;39:593-620). This variant is considered to be rare based on population cohorts in the Genome Aggregation Database (gnomAD). In addition to the clinical data presented in the literature, this alteration is expected to result in loss of function by premature protein truncation or nonsense-mediated mRNA decay. As such, this alteration is interpreted as a disease-causing mutation.

GeneDx
Classification: Pathogenic. Last evaluated: 2022-09-30. Review status: criteria provided, single submitter. Criteria: GeneDx Variant Classification Process June 2021. Collection method: clinical testing. Allele origin: germline. Affected: yes. Not counted in ClinVar's aggregate classification.
Comment: Nonsense variant predicted to result in protein truncation or nonsense mediated decay in a gene for which loss-of-function is a known mechanism of disease; Observed in individuals with a personal or family history consistent with pathogenic variants in this gene (Jian 2017, Sun 2017, Rebbeck 2018, Li 2019); Truncating variants in this gene are considered pathogenic by a well-established clinical consortium and/or database; Not observed in large population cohorts (gnomAD); Also known as 9328C>T; This variant is associated with the following publications: (PMID: 29446198, 22632462, 28724667, 29093764, 29752822, 31825140, 30702160, 29922827)

Baylor Genetics
Classification: Pathogenic for Familial cancer of breast. Last evaluated: 2022-08-11. Review status: criteria provided, single submitter. Criteria: ACMG Guidelines, 2015. Collection method: clinical testing. Allele origin: unknown. Not counted in ClinVar's aggregate classification.

Consortium of Investigators of Modifiers of BRCA1/2 (CIMBA), c/o University of Cambridge
Classification: Pathogenic for Breast-ovarian cancer, familial, susceptibility to, 2. Last evaluated: 2015-10-02. Review status: criteria provided, single submitter. Criteria: CIMBA Mutation Classification guidelines May 2016. Collection method: clinical testing. Allele origin: germline. Not counted in ClinVar's aggregate classification.

Juno Genomics, Hangzhou Juno Genomics, Inc
Classification: Pathogenic for Wilms tumor 1; Familial cancer of breast; Breast-ovarian cancer, familial, susceptibility to, 2; Glioma susceptibility 3; Medulloblastoma; Pancreatic cancer, susceptibility to, 2; Familial prostate cancer; Fanconi anemia complementation group D1. Review status: criteria provided, single submitter. Criteria: ACMG Guidelines, 2015. Collection method: clinical testing. Allele origin: germline. Not counted in ClinVar's aggregate classification.
Comment: Absent from controls (or at extremely low frequency if recessive) in Genome Aggregation Database.;Null variant in a gene where loss of function (LOF) is a known mechanism of disease.;Novel missense change at an amino acid residue where a different missense change determined to be pathogenic has been seen before.

Molecular Endocrinology Laboratory, Christian Medical College
Classification: Pathogenic for Breast-ovarian cancer, familial, susceptibility to, 2. Review status: criteria provided, single submitter. Criteria: ACMG Guidelines, 2015. Collection method: clinical testing. Allele origin: germline. Affected: yes. Not counted in ClinVar's aggregate classification.

Research Molecular Genetics Laboratory, Women's College Hospital, University of Toronto
Classification: Pathogenic for Hereditary breast ovarian cancer syndrome. Last evaluated: 2014-01-31. Review status: no assertion criteria provided. Collection method: research. Allele origin: germline. Affected: yes. Study: The Canadian Open Genetics Repository (COGR). Not counted in ClinVar's aggregate classification.

Breast Cancer Information Core (BIC) (BRCA2)
Classification: Pathogenic for Breast-ovarian cancer, familial 2. Last evaluated: 2003-12-23. Review status: no assertion criteria provided. Collection method: clinical testing. Allele origin: germline. Affected: yes. Observed: 1 variant allele. Not counted in ClinVar's aggregate classification.

Literature cited by the submitters: PubMed 20104584 (cited by Labcorp Genetics (formerly Invitae), Labcorp and Molecular Endocrinology Laboratory, Christian Medical College); PubMed 28724667 (cited by Labcorp Genetics (formerly Invitae), Labcorp and Ambry Genetics); PubMed 29446198 (cited by Labcorp Genetics (formerly Invitae), Labcorp and Ambry Genetics); PubMed 29752822 (cited by Labcorp Genetics (formerly Invitae), Labcorp and Ambry Genetics); PubMed 29093764 (cited by Ambry Genetics); PubMed 29805665 (cited by Ambry Genetics); PubMed 29922827 (cited by Ambry Genetics).

NM_000059.4(BRCA2):c.9100C>T (p.Gln3034Ter)

Gene: BRCA2 (BRCA2 DNA repair associated; plus strand). Cytogenetic location: 13q13.1.
Variant type: single nucleotide variant.
Coding change: c.9100C>T on transcript NM_000059.4 (MANE Select); coding-DNA position 9100, C replaced by T.
Protein change: p.Gln3034Ter; replaces glutamine 3034 with a stop codon.
Molecular consequence: nonsense.
Genome position (GRCh38, 1-based): chr13:32,379,896, C>T. VCF-style: chr13-32379896-C-T. GRCh37 (hg19) VCF-style: chr13-32954033-C-T.
Other names: short protein forms Q3034*.
Identifiers: ClinVar variation 52749 (VCV000052749.26), dbSNP rs80359163, ClinGen allele CA025978.